The following is an entry in ClinVar:

NM_004336.5(BUB1):c.971G>A (p.Arg324His)

Gene: BUB1 (BUB1 mitotic checkpoint serine/threonine kinase; minus strand). Cytogenetic location: 2q13.
Variant type: single nucleotide variant.
Coding change: c.971G>A on transcript NM_004336.5 (MANE Select); coding-DNA position 971, G replaced by A.
Protein change: p.Arg324His; replaces arginine 324 with histidine.
Molecular consequence: missense variant.
Genome position (GRCh38, 1-based): chr2:110,661,828, C>T on the plus strand (G>A on the coding strand, the complement: BUB1 is on the minus strand). VCF-style: chr2-110661828-C-T. GRCh37 (hg19) VCF-style: chr2-111419405-C-T.
Other names: c.911G>A, p.Arg304His (NM_001278616.2); c.971G>A, p.Arg324His (NM_001278617.2); short protein forms R304H, R324H.
Identifiers: ClinVar variation 2464834 (VCV002464834.4), dbSNP rs899084208, ClinGen allele CA53536685.
Genomic context (GRCh38, chr2:110,661,828, plus strand): 5'-TAGGTTACTGGAAGACATGGCGCTCTCAGTTCCTGCTGGGAGCCTACACTTGGCCCCATA[C>T]GTGCTGGATTAACCTTTCATATTAAACAAACAAACAACAAAAACAAAACCATGAAGTCCA-3'
Protein context (NP_004327.1, residues 314-334): SQERSEVNPA[Arg324His]MGPSVGSQQE

ClinVar aggregate classification (germline): Uncertain significance. Review status: criteria provided, multiple submitters, no conflicts (2 of 4 stars). 2 submissions from 2 submitters: Uncertain significance (2). Last evaluated 2025-12-08.

Allele frequency attached by ClinVar (database versions not stated): TOPMed 0.00001.
gnomAD v4.1: 8 of 1,614,032 alleles (0.0005%); highest among the groups gnomAD compares: Admixed American, 0.0033%; no homozygotes.

Submissions (2):

Labcorp Genetics (formerly Invitae), Labcorp
Classification: Uncertain significance. Last evaluated: 2025-12-08. Review status: criteria provided, single submitter. Criteria: Invitae Variant Classification Sherloc (09022015). Collection method: clinical testing. Allele origin: germline.
Comment: This sequence change replaces arginine, which is basic and polar, with histidine, which is basic and polar, at codon 324 of the BUB1 protein (p.Arg324His). This variant is present in population databases (no rsID available, gnomAD 0.009%). This variant has not been reported in the literature in individuals affected with BUB1-related conditions. ClinVar contains an entry for this variant (Variation ID: 2464834). An algorithm developed to predict the effect of missense changes on protein structure and function outputs the following: PolyPhen-2: "Not Available". The histidine amino acid residue is found in multiple mammalian species, which suggests that this missense change does not adversely affect protein function. In summary, the available evidence is currently insufficient to determine the role of this variant in disease. Therefore, it has been classified as a Variant of Uncertain Significance.

Ambry Genetics
Classification: Uncertain significance. Last evaluated: 2024-08-28. Review status: criteria provided, single submitter. Criteria: Ambry Variant Classification Scheme 2023. Collection method: clinical testing. Allele origin: germline.